The following is an entry in ClinVar:

ClinVar aggregate classification (germline): Conflicting classifications of pathogenicity. Review status: criteria provided, conflicting classifications (1 of 4 stars). 3 submissions from 3 submitters: Uncertain significance (2); Likely benign (1). Last evaluated 2026-07-20.

Conditions:
Hereditary cancer-predisposing syndrome. Also called: Neoplastic Syndromes, Hereditary; Hereditary neoplastic syndrome; Hereditary Cancer Syndrome; Tumor predisposition. Identifiers: Orphanet 140162, MedGen C0027672, MeSH D009386, MONDO:0015356.
Familial cancer of breast. Also called: hereditary breast carcinoma; Hereditary breast cancer; BREAST CANCER, FAMILIAL. Identifiers: Orphanet 227535, MedGen C0346153, MONDO:0016419, OMIM 114480. Disease mechanism: loss of function.

Submissions (3):

Ambry Genetics
Classification: Likely benign for Hereditary cancer-predisposing syndrome. Last evaluated: 2026-07-20. Review status: criteria provided, single submitter. Criteria: Ambry Variant Classification Scheme 2023. Collection method: clinical testing. Allele origin: germline.

Labcorp Genetics (formerly Invitae), Labcorp
Classification: Uncertain significance for Familial cancer of breast. Last evaluated: 2025-12-03. Review status: criteria provided, single submitter. Criteria: Invitae Variant Classification Sherloc (09022015). Collection method: clinical testing. Allele origin: germline.
Comment: This sequence change replaces glutamine, which is neutral and polar, with arginine, which is basic and polar, at codon 139 of the PALB2 protein (p.Gln139Arg). This variant is not present in population databases (gnomAD no frequency). This variant has not been reported in the literature in individuals affected with PALB2-related conditions. ClinVar contains an entry for this variant (Variation ID: 485995). An algorithm developed to predict the effect of missense changes on protein structure and function (PolyPhen-2) suggests that this variant is likely to be tolerated. In summary, the available evidence is currently insufficient to determine the role of this variant in disease. Therefore, it has been classified as a Variant of Uncertain Significance.

GeneDx
Classification: Uncertain significance. Last evaluated: 2022-04-18. Review status: criteria provided, single submitter. Criteria: GeneDx Variant Classification Process June 2021. Collection method: clinical testing. Allele origin: germline. Affected: yes.
Comment: Not observed at significant frequency in large population cohorts (gnomAD); In silico analysis supports that this missense variant does not alter protein structure/function; Has not been previously published as pathogenic or benign to our knowledge; This variant is associated with the following publications: (PMID: 20871615, 19369211)

NM_024675.4(PALB2):c.416A>G (p.Gln139Arg)

Gene: PALB2 (partner and localizer of BRCA2; minus strand). Cytogenetic location: 16p12.2.
Variant type: single nucleotide variant.
Coding change: c.416A>G on transcript NM_024675.4 (MANE Select); coding-DNA position 416, A replaced by G.
Protein change: p.Gln139Arg; replaces glutamine 139 with arginine.
Molecular consequence: missense variant.
Genome position (GRCh38, 1-based): chr16:23,636,130, T>C on the plus strand (A>G on the coding strand, the complement: PALB2 is on the minus strand). VCF-style: chr16-23636130-T-C. GRCh37 (hg19) VCF-style: chr16-23647451-T-C.
Other names: short protein forms Q139R.
Identifiers: ClinVar variation 485995 (VCV000485995.16), dbSNP rs1555461800, ClinGen allele CA395137350.